The following is an entry in ClinVar:

NM_001042492.3(NF1):c.3623T>A (p.Leu1208Ter)

Gene: NF1 (neurofibromin 1; plus strand). Cytogenetic location: 17q11.2.
Variant type: single nucleotide variant.
Coding change: c.3623T>A on transcript NM_001042492.3 (MANE Select); coding-DNA position 3623, T replaced by A.
Protein change: p.Leu1208Ter; replaces leucine 1208 with a stop codon.
Molecular consequence: nonsense.
Genome position (GRCh38, 1-based): chr17:31,233,128, T>A. VCF-style: chr17-31233128-T-A. GRCh37 (hg19) VCF-style: chr17-29560146-T-A.
Other names: c.3623T>A, p.Leu1208Ter (NM_000267.4); short protein forms L1208*.
Identifiers: ClinVar variation 404596 (VCV000404596.5), dbSNP rs1060500374, ClinGen allele CA16615224.

ClinVar aggregate classification (germline): Pathogenic (1 of 4 stars; one submission).

Conditions:
Neurofibromatosis, type 1 (NF1). Also called: Neurofibromatosis, type I; NEUROFIBROMATOSIS, TYPE I, SOMATIC; Peripheral type neurofibromatosis; VON RECKLINGHAUSEN DISEASE. Identifiers: Orphanet 636, MedGen C0027831, MONDO:0018975, OMIM 162200. Disease mechanism: loss of function.

Submission:

Labcorp Genetics (formerly Invitae), Labcorp
Classification: Pathogenic for Neurofibromatosis, type 1. Last evaluated: 2025-10-07. Review status: criteria provided, single submitter. Criteria: Invitae Variant Classification Sherloc (09022015). Collection method: clinical testing. Allele origin: germline.
Comment: This sequence change creates a premature translational stop signal (p.Leu1208*) in the NF1 gene. It is expected to result in an absent or disrupted protein product. Loss-of-function variants in NF1 are known to be pathogenic (PMID: 10712197, 23913538). This variant is not present in population databases (gnomAD no frequency). This variant has not been reported in the literature in individuals affected with NF1-related conditions. Invitae Evidence Modeling of clinical and family history, age, sex, and reported ancestry of multiple individuals with this NF1 variant has been performed. This variant is expected to be pathogenic with a positive predictive value of at least 99%. This is a validated machine learning model that incorporates the clinical features of 1,785,918 individuals referred to our laboratory for NF1 testing. ClinVar contains an entry for this variant (Variation ID: 404596). RNA analysis performed to evaluate the impact of this premature translational stop signal on mRNA splicing indicates it does not significantly alter splicing (internal data). For these reasons, this variant has been classified as Pathogenic.

Literature cited by the submitters: PubMed 10712197; PubMed 23913538.